The following is an entry in ClinVar:

ClinVar aggregate classification (germline): Conflicting classifications of pathogenicity. Review status: criteria provided, conflicting classifications (1 of 4 stars). 4 submissions from 4 submitters: Pathogenic (1); Uncertain significance (2). 1 of the submissions does not count toward it. Last evaluated 2025-06-20.

Conditions:
Microcephaly 7, primary, autosomal recessive. Identifiers: Orphanet 2512, MedGen C2675187, MONDO:0012989, OMIM 612703.

Allele frequency attached by ClinVar (database versions not stated): gnomAD 0.00001; TOPMed 0.00002.

Submissions (4):

Labcorp Genetics (formerly Invitae), Labcorp
Classification: Pathogenic. Last evaluated: 2025-06-20. Review status: criteria provided, single submitter. Criteria: Invitae Variant Classification Sherloc (09022015). Collection method: clinical testing. Allele origin: germline.
Comment: This sequence change replaces arginine, which is basic and polar, with cysteine, which is neutral and slightly polar, at codon 1279 of the STIL protein (p.Arg1279Cys). This variant is present in population databases (rs199634446, gnomAD 0.03%). This missense change has been observed in individual(s) with clinical features of primary microcephaly (PMID: 24986681, 26633542, 33132204). In at least one individual the data is consistent with being in trans (on the opposite chromosome) from a pathogenic variant. It has also been observed to segregate with disease in related individuals. This variant is also known as p.Arg1280Cys. ClinVar contains an entry for this variant (Variation ID: 502127). Invitae Evidence Modeling of protein sequence and biophysical properties (such as structural, functional, and spatial information, amino acid conservation, physicochemical variation, residue mobility, and thermodynamic stability) indicates that this missense variant is expected to disrupt STIL protein function with a positive predictive value of 80%. For these reasons, this variant has been classified as Pathogenic.

Daryl Scott Lab, Baylor College of Medicine
Classification: Uncertain significance for Microcephaly 7, primary, autosomal recessive. Last evaluated: 2022-02-01. Review status: criteria provided, single submitter. Criteria: ACMG Guidelines, 2015. Collection method: clinical testing. Allele origin: biparental. Observed: 1 variant allele, 1 homozygote.

Eurofins Ntd Llc (ga)
Classification: Uncertain significance. Last evaluated: 2017-05-26. Review status: criteria provided, single submitter. Criteria: EGL Classification Definitions 2015. Collection method: clinical testing. Allele origin: germline. Observed: 1 variant allele, 1 heterozygote.

Precision Medical Center, Maternal and Child Health Hospital of Hubei Province
Classification: Likely pathogenic for Microcephaly 7, primary, autosomal recessive. Review status: no assertion criteria provided. Collection method: clinical testing. Allele origin: paternal. Inheritance: Autosomal recessive inheritance. Affected: yes. Observed: 1 compound heterozygote. Not counted in ClinVar's aggregate classification.

Literature cited by the submitters: PubMed 24986681 (cited by Labcorp Genetics (formerly Invitae), Labcorp); PubMed 26633542 (cited by Labcorp Genetics (formerly Invitae), Labcorp); PubMed 33132204 (cited by Labcorp Genetics (formerly Invitae), Labcorp and Precision Medical Center, Maternal and Child Health Hospital of Hubei Province); PubMed 36474027 (cited by Daryl Scott Lab, Baylor College of Medicine).

NM_001048166.1(STIL):c.3838C>T (p.Arg1280Cys)

Gene: STIL (STIL centriolar assembly protein; minus strand). Cytogenetic location: 1p33.
Variant type: single nucleotide variant.
Coding change: c.3838C>T on transcript NM_001048166.1 (MANE Select); coding-DNA position 3838, C replaced by T.
Protein change: p.Arg1280Cys; replaces arginine 1280 with cysteine.
Molecular consequence: missense variant.
Genome position (GRCh38, 1-based): chr1:47,251,165, G>A on the plus strand (C>T on the coding strand, the complement: STIL is on the minus strand). VCF-style: chr1-47251165-G-A. GRCh37 (hg19) VCF-style: chr1-47716837-G-A.
Other names: c.3835C>T, p.Arg1279Cys (NM_001282936.1, NM_003035.2); c.3784C>T, p.Arg1262Cys (NM_001282937.1); c.3697C>T, p.Arg1233Cys (NM_001282938.1); c.3643C>T, p.Arg1215Cys (NM_001282939.1); short protein forms R1279C, R1280C, R1233C, R1215C, R1262C.
Identifiers: ClinVar variation 502127 (VCV000502127.13), dbSNP rs199634446, ClinGen allele CA841910.